The following is an entry in ClinVar:

NM_020458.4(TTC7A):c.2051G>A (p.Arg684Gln)

Gene: TTC7A (tetratricopeptide repeat domain 7A; plus strand). Cytogenetic location: 2p21.
Variant type: single nucleotide variant.
Coding change: c.2051G>A on transcript NM_020458.4 (MANE Select); coding-DNA position 2051, G replaced by A.
Protein change: p.Arg684Gln; replaces arginine 684 with glutamine.
Molecular consequence: missense variant.
Genome position (GRCh38, 1-based): chr2:47,051,779, G>A. VCF-style: chr2-47051779-G-A. GRCh37 (hg19) VCF-style: chr2-47278918-G-A.
Other names: c.2123G>A, p.Arg708Gln (NM_001288951.2); c.1949G>A, p.Arg650Gln (NM_001288953.2); c.989G>A, p.Arg330Gln (NM_001288955.2); short protein forms R330Q, R650Q, R684Q, R708Q.
Identifiers: ClinVar variation 3025904 (VCV003025904.22), dbSNP rs781599404, ClinGen allele CA1647994.

ClinVar aggregate classification (germline): Uncertain significance (1 of 4 stars; one submission).

Allele frequency attached by ClinVar (database versions not stated): gnomAD exomes 0.00001; ExAC 0.00003.

Submission:

CeGaT Center for Human Genetics Tuebingen
Classification: Uncertain significance. Last evaluated: 2024-02-01. Review status: criteria provided, single submitter. Criteria: CeGaT Center For Human Genetics Tuebingen Variant Classification Criteria Version 2. Collection method: clinical testing. Allele origin: germline. Affected: yes. Observed: 1 variant allele.
Comment: TTC7A: PM2